The following is an entry in ClinVar:

ClinVar aggregate classification (germline): Uncertain significance. Review status: criteria provided, multiple submitters, no conflicts (2 of 4 stars). 2 submissions from 2 submitters: Uncertain significance (2). Last evaluated 2024-10-10.

Conditions:
Insulin-dependent diabetes mellitus secretory diarrhea syndrome (IPEX). Also called: Immunodysregulation, polyendocrinopathy, and enteropathy, X-linked; Immune dysregulation-polyendocrinopathy-enteropathy-X-linked syndrome; DIABETES MELLITUS, CONGENITAL INSULIN-DEPENDENT, WITH FATAL SECRETORY DIARRHEA; DIARRHEA, POLYENDOCRINOPATHY, FATAL INFECTION SYNDROME, X-LINKED; ENTEROPATHY, AUTOIMMUNE, WITH HEMOLYTIC ANEMIA AND POLYENDOCRINOPATHY; IMMUNODEFICIENCY, POLYENDOCRINOPATHY, AND ENTEROPATHY, X-LINKED. Identifiers: Orphanet 37042, MedGen C0342288, MONDO:0010580, OMIM 304790. Disease mechanism: loss of function.

Allele frequency attached by ClinVar (database versions not stated): gnomAD exomes 0.00001 and 0.00003; TOPMed 0.00001; gnomAD 0.00002 and 0.00003.

Submissions (2):

Labcorp Genetics (formerly Invitae), Labcorp
Classification: Uncertain significance for Insulin-dependent diabetes mellitus secretory diarrhea syndrome. Last evaluated: 2024-10-10. Review status: criteria provided, single submitter. Criteria: Invitae Variant Classification Sherloc (09022015). Collection method: clinical testing. Allele origin: germline.
Comment: This sequence change replaces glycine, which is neutral and non-polar, with arginine, which is basic and polar, at codon 53 of the FOXP3 protein (p.Gly53Arg). The frequency data for this variant in the population databases is considered unreliable, as metrics indicate poor data quality at this position in the gnomAD database. This variant has not been reported in the literature in individuals affected with FOXP3-related conditions. ClinVar contains an entry for this variant (Variation ID: 129110). Invitae Evidence Modeling of protein sequence and biophysical properties (such as structural, functional, and spatial information, amino acid conservation, physicochemical variation, residue mobility, and thermodynamic stability) indicates that this missense variant is not expected to disrupt FOXP3 protein function with a negative predictive value of 80%. In summary, the available evidence is currently insufficient to determine the role of this variant in disease. Therefore, it has been classified as a Variant of Uncertain Significance.

Genetic Services Laboratory, University of Chicago
Classification: Uncertain significance. Last evaluated: 2013-10-16. Review status: criteria provided, single submitter. Criteria: ACMG Guidelines, 2007. Collection method: clinical testing. Allele origin: germline. Inheritance: X-linked inheritance.

NM_014009.4(FOXP3):c.157G>A (p.Gly53Arg)

Gene: FOXP3 (forkhead box P3; minus strand). Cytogenetic location: Xp11.23.
Variant type: single nucleotide variant.
Coding change: c.157G>A on transcript NM_014009.4 (MANE Select); coding-DNA position 157, G replaced by A.
Protein change: p.Gly53Arg; replaces glycine 53 with arginine.
Molecular consequence: missense variant.
Genome position (GRCh38, 1-based): chrX:49,258,349, C>T on the plus strand (G>A on the coding strand, the complement: FOXP3 is on the minus strand). VCF-style: chrX-49258349-C-T. GRCh37 (hg19) VCF-style: chrX-49114806-C-T.
Other names: c.157G>A, p.Gly53Arg (NM_001114377.2); short protein forms G53R.
Identifiers: ClinVar variation 129110 (VCV000129110.11), dbSNP rs587780340, ClinGen allele CA231122.